The following is an entry in ClinVar:

NM_000503.6(EYA1):c.1189C>T (p.Gln397Ter)

Gene: EYA1 (EYA transcriptional coactivator and phosphatase 1; minus strand). Cytogenetic location: 8q13.3.
Variant type: single nucleotide variant.
Coding change: c.1189C>T on transcript NM_000503.6 (MANE Select); coding-DNA position 1189, C replaced by T.
Protein change: p.Gln397Ter; replaces glutamine 397 with a stop codon.
Molecular consequence: nonsense.
Genome position (GRCh38, 1-based): chr8:71,216,975, G>A on the plus strand (C>T on the coding strand, the complement: EYA1 is on the minus strand). VCF-style: chr8-71216975-G-A. GRCh37 (hg19) VCF-style: chr8-72129210-G-A.
Other names: c.1171C>T, p.Gln391Ter (NM_001288574.2, NM_172059.5); c.823C>T, p.Gln275Ter (NM_001288575.2); c.1276C>T, p.Gln426Ter (NM_001370333.1); c.1189C>T, p.Gln397Ter (NM_001370334.1, NM_001370335.1, NM_172058.4); c.1168C>T, p.Gln390Ter (NM_001370336.1); short protein forms Q275*, Q390*, Q391*, Q397*, Q426*.
Identifiers: ClinVar variation 1698351 (VCV001698351.5), dbSNP rs2128854635, ClinGen allele CA371466946.
Genomic context (GRCh38, chr8:71,216,975, plus strand): 5'-TAATTAAACTATAAAAGGGAGATGGTCACTTCACATTCAAGGGTGCTCACCTTAGGTCCT[G>A]TCCGTTATCATCTGAAGAAACATCATCTATATGGACTTGGTCACATTCCTAAAATGCAAT-3'

ClinVar aggregate classification (germline): Pathogenic. Review status: criteria provided, multiple submitters, no conflicts (2 of 4 stars). 2 submissions from 2 submitters: Pathogenic (2). Last evaluated 2024-06-16.

Conditions:
Melnick-Fraser syndrome (BOR). Also called: Branchiootorenal Syndrome (BORS); Branchiootorenal syndrome; Branchio-oto-renal syndrome. Identifiers: Orphanet 107, MedGen C0265234, MONDO:0007029.

Submissions (2):

Labcorp Genetics (formerly Invitae), Labcorp
Classification: Pathogenic for Melnick-Fraser syndrome. Last evaluated: 2024-06-16. Review status: criteria provided, single submitter. Criteria: Invitae Variant Classification Sherloc (09022015). Collection method: clinical testing. Allele origin: germline.
Comment: This sequence change creates a premature translational stop signal (p.Gln397*) in the EYA1 gene. It is expected to result in an absent or disrupted protein product. Loss-of-function variants in EYA1 are known to be pathogenic (PMID: 10464653, 18220287). This variant is not present in population databases (gnomAD no frequency). This premature translational stop signal has been observed in individual(s) with EYA1-related conditions (PMID: 31427586). ClinVar contains an entry for this variant (Variation ID: 1698351). For these reasons, this variant has been classified as Pathogenic.

GeneDx
Classification: Pathogenic. Last evaluated: 2022-10-12. Review status: criteria provided, single submitter. Criteria: GeneDx Variant Classification Process June 2021. Collection method: clinical testing. Allele origin: germline.
Comment: Reported in a patient with features consistent with EYA1-related branchiootorenal spectrum disorder in published literature (Ideura et al., 2019); clinical information is limited; Nonsense variant predicted to result in protein truncation or nonsense mediated decay in a gene for which loss of function is a known mechanism of disease; Not observed at significant frequency in large population cohorts (gnomAD); This variant is associated with the following publications: (PMID: 31427586)

Literature cited by the submitters: PubMed 10464653 (cited by Labcorp Genetics (formerly Invitae), Labcorp); PubMed 18220287 (cited by Labcorp Genetics (formerly Invitae), Labcorp); PubMed 31427586 (cited by Labcorp Genetics (formerly Invitae), Labcorp).